The following is an entry in ClinVar:

ClinVar aggregate classification (germline): Uncertain significance (1 of 4 stars; one submission).

Submission:

Labcorp Genetics (formerly Invitae), Labcorp
Classification: Uncertain significance. Last evaluated: 2023-06-27. Review status: criteria provided, single submitter. Criteria: Invitae Variant Classification Sherloc (09022015). Collection method: clinical testing. Allele origin: germline.
Comment: In summary, the available evidence is currently insufficient to determine the role of this variant in disease. Therefore, it has been classified as a Variant of Uncertain Significance. Advanced modeling of protein sequence and biophysical properties (such as structural, functional, and spatial information, amino acid conservation, physicochemical variation, residue mobility, and thermodynamic stability) performed at Invitae indicates that this missense variant is not expected to disrupt CLTC protein function. This variant has not been reported in the literature in individuals affected with CLTC-related conditions. This variant is not present in population databases (gnomAD no frequency). This sequence change replaces serine, which is neutral and polar, with threonine, which is neutral and polar, at codon 330 of the CLTC protein (p.Ser330Thr).

NM_004859.4(CLTC):c.976T>A (p.Ser326Thr)

Gene: CLTC (clathrin heavy chain; plus strand). Cytogenetic location: 17q23.1.
Variant type: single nucleotide variant.
Coding change: c.976T>A on transcript NM_004859.4 (MANE Select); coding-DNA position 976, T replaced by A.
Protein change: p.Ser326Thr; replaces serine 326 with threonine.
Molecular consequence: missense variant.
Genome position (GRCh38, 1-based): chr17:59,660,397, T>A. VCF-style: chr17-59660397-T-A. GRCh37 (hg19) VCF-style: chr17-57737758-T-A.
Other names: c.988T>A, p.Ser330Thr (NM_001288653.2); short protein forms S326T, S330T.
Identifiers: ClinVar variation 2729861 (VCV002729861.3), dbSNP rs2509377182, ClinGen allele CA400423406.